The following is an entry in ClinVar:

NM_000052.7(ATP7A):c.4153C>T (p.Gln1385Ter)

Gene: ATP7A (ATPase copper transporting alpha; plus strand). Cytogenetic location: Xq21.1.
Variant type: single nucleotide variant.
Coding change: c.4153C>T on transcript NM_000052.7 (MANE Select); coding-DNA position 4153, C replaced by T.
Protein change: p.Gln1385Ter; replaces glutamine 1385 with a stop codon.
Molecular consequence: nonsense. On other transcripts: non-coding transcript variant (1).
Genome position (GRCh38, 1-based): chrX:78,045,499, C>T. VCF-style: chrX-78045499-C-T. GRCh37 (hg19) VCF-style: chrX-77300996-C-T.
Other names: c.3919C>T, p.Gln1307Ter (NM_001282224.2); c.4153C>T (NM_000052.6); short protein forms Q1307*, Q1385*.
Identifiers: ClinVar variation 2138618 (VCV002138618.5), dbSNP rs2522425477, ClinGen allele CA413605793.

ClinVar aggregate classification (germline): Pathogenic. Review status: criteria provided, single submitter (1 of 4 stars). 2 submissions from 2 submitters: Pathogenic (1). 1 of the submissions does not count toward it. Last evaluated 2022-02-02.

Conditions:
Menkes kinky-hair syndrome (MNK). Also called: Copper transport disease; Menkes Disease; Classic Menkes Disease. Identifiers: Orphanet 565, MedGen C0022716, MONDO:0010651, OMIM 309400.
Cutis laxa, X-linked (OHS). Also called: EDS IX; Occipital horn syndrome. Identifiers: Orphanet 198, MedGen C0268353, MONDO:0010572, OMIM 304150.
X-linked distal spinal muscular atrophy type 3. Also called: SPINAL MUSCULAR ATROPHY, DISTAL, X-LINKED RECESSIVE; NEURONOPATHY, DISTAL HEREDITARY MOTOR, X-LINKED; NEUROPATHY, DISTAL HEREDITARY MOTOR, X-LINKED; ATP7A-Related Distal Motor Neuropathy. Identifiers: Orphanet 139557, MedGen C1845359, MONDO:0010338, OMIM 300489.

Submissions (2):

Labcorp Genetics (formerly Invitae), Labcorp
Classification: Pathogenic for X-linked distal spinal muscular atrophy type 3; Cutis laxa, X-linked; Menkes kinky-hair syndrome. Last evaluated: 2022-02-02. Review status: criteria provided, single submitter. Criteria: Invitae Variant Classification Sherloc (09022015). Collection method: clinical testing. Allele origin: germline.
Comment: For these reasons, this variant has been classified as Pathogenic. This premature translational stop signal has been observed in individual(s) with Menkes disease (PMID: 18256395). This variant is not present in population databases (gnomAD no frequency). This sequence change creates a premature translational stop signal (p.Gln1385*) in the ATP7A gene. It is expected to result in an absent or disrupted protein product. Loss-of-function variants in ATP7A are known to be pathogenic (PMID: 11241493, 20652413).

Inherited Neuropathy Consortium Ii, University Of Miami
Classification: Uncertain significance for Menkes kinky-hair syndrome. Last evaluated: 2016-01-06. Review status: no assertion criteria provided. Collection method: literature only. Allele origin: germline. Affected: yes. Not counted in ClinVar's aggregate classification.

Literature cited by the submitters: PubMed 18256395 (cited by Labcorp Genetics (formerly Invitae), Labcorp); PubMed 11241493 (cited by Labcorp Genetics (formerly Invitae), Labcorp); PubMed 20652413 (cited by Labcorp Genetics (formerly Invitae), Labcorp); PubMed 29499166 (cited by Inherited Neuropathy Consortium Ii, University Of Miami).